The following is an entry in ClinVar:

NM_002485.5(NBN):c.435A>C (p.Glu145Asp)

Gene: NBN (nibrin; minus strand). Cytogenetic location: 8q21.3.
Variant type: single nucleotide variant.
Coding change: c.435A>C on transcript NM_002485.5 (MANE Select); coding-DNA position 435, A replaced by C.
Protein change: p.Glu145Asp; replaces glutamic acid 145 with aspartic acid.
Molecular consequence: missense variant.
Genome position (GRCh38, 1-based): chr8:89,980,779, T>G on the plus strand (A>C on the coding strand, the complement: NBN is on the minus strand). VCF-style: chr8-89980779-T-G. GRCh37 (hg19) VCF-style: chr8-90993007-T-G.
Other names: c.189A>C, p.Glu63Asp (NM_001024688.3); short protein forms E145D, E63D.
Identifiers: ClinVar variation 3222435 (VCV003222435.1), dbSNP rs2488355767, ClinGen allele CA371661696.

ClinVar aggregate classification (germline): Uncertain significance (1 of 4 stars; one submission).

Conditions:
Hereditary cancer-predisposing syndrome. Also called: Tumor predisposition; Hereditary neoplastic syndrome; Hereditary Cancer Syndrome; Neoplastic Syndromes, Hereditary. Identifiers: Orphanet 140162, MedGen C0027672, MeSH D009386, MONDO:0015356.

Submission:

Ambry Genetics
Classification: Uncertain significance for Hereditary cancer-predisposing syndrome. Last evaluated: 2023-12-10. Review status: criteria provided, single submitter. Criteria: Ambry Variant Classification Scheme 2023. Collection method: clinical testing. Allele origin: germline.
Comment: The p.E145D variant (also known as c.435A>C), located in coding exon 4 of the NBN gene, results from an A to C substitution at nucleotide position 435. The glutamic acid at codon 145 is replaced by aspartic acid, an amino acid with highly similar properties. This amino acid position is well conserved in available vertebrate species. In addition, this alteration is predicted to be tolerated by in silico analysis. Since supporting evidence is limited at this time, the clinical significance of this alteration remains unclear.